The following is an entry in ClinVar:

NM_014141.6(CNTNAP2):c.3469G>C (p.Val1157Leu)

Gene: CNTNAP2 (contactin associated protein 2; plus strand). Cytogenetic location: 7q36.1.
Variant type: single nucleotide variant.
Coding change: c.3469G>C on transcript NM_014141.6 (MANE Select); coding-DNA position 3469, G replaced by C.
Protein change: p.Val1157Leu; replaces valine 1157 with leucine.
Molecular consequence: missense variant.
Genome position (GRCh38, 1-based): chr7:148,267,120, G>C. VCF-style: chr7-148267120-G-C. GRCh37 (hg19) VCF-style: chr7-147964212-G-C.
Other names: short protein forms V1157L.
Identifiers: ClinVar variation 2725939 (VCV002725939.3), dbSNP rs920768770, ClinGen allele CA168829870.
Genomic context (GRCh38, chr7:148,267,120, plus strand): 5'-CATCTGCCAAGTTCATCCGACACCCTCTTCAATTCTCCCAAGTCGCTCTTTCTGGGAAAA[G>C]TTATAGGTAAGAATGTGGTTCGTTAGGTATAAATGCGTGCTACAAATACATTTGGGTAAT-3'
Protein context (NP_054860.1, residues 1147-1167): NSPKSLFLGK[Val1157Leu]IETGKIDQEI

ClinVar aggregate classification (germline): Uncertain significance (1 of 4 stars; one submission).

Conditions:
Cortical dysplasia-focal epilepsy syndrome (PTHSL1). Also called: Pitt-Hopkins-like syndrome 1. Identifiers: Orphanet 163681, Orphanet 221150, MedGen C2750246, MONDO:0012400, OMIM 610042.

Allele frequency attached by ClinVar (database versions not stated): TOPMed 0.00001.

Submission:

Labcorp Genetics (formerly Invitae), Labcorp
Classification: Uncertain significance for Cortical dysplasia-focal epilepsy syndrome. Last evaluated: 2023-08-17. Review status: criteria provided, single submitter. Criteria: Invitae Variant Classification Sherloc (09022015). Collection method: clinical testing. Allele origin: germline.
Comment: In summary, the available evidence is currently insufficient to determine the role of this variant in disease. Therefore, it has been classified as a Variant of Uncertain Significance. An algorithm developed to predict the effect of missense changes on protein structure and function (PolyPhen-2) suggests that this variant is likely to be tolerated. This variant has not been reported in the literature in individuals affected with CNTNAP2-related conditions. This variant is not present in population databases (gnomAD no frequency). This sequence change replaces valine, which is neutral and non-polar, with leucine, which is neutral and non-polar, at codon 1157 of the CNTNAP2 protein (p.Val1157Leu).